The following is an entry in ClinVar:

NM_020458.4(TTC7A):c.1014dup (p.Lys339fs)

Gene: TTC7A (tetratricopeptide repeat domain 7A; plus strand). Cytogenetic location: 2p21.
Variant type: Duplication.
Coding change: c.1014dup on transcript NM_020458.4 (MANE Select); coding-DNA position 1014, one base duplicated (C; older notation c.1014dupC).
Protein change: p.Lys339fs; shifts the reading frame from lysine 339.
Molecular consequence: frameshift variant. On other transcripts: 5 prime UTR variant (1).
Genome position (GRCh38, 1-based): chr2:46,995,148, C duplicated; the last of 4 consecutive C bases (chr2:46,995,145-46,995,148); duplicating any one gives the same sequence. VCF-style (leftmost placement, unchanged base first): chr2-46995144-G-GC. GRCh37 (hg19) VCF-style: chr2-47222283-G-GC.
Other names: c.1014dup, p.Lys339fs (NM_001288951.2); c.912dup, p.Lys305fs (NM_001288953.2); c.-49dup (NM_001288955.2); short protein forms K339fs, K305fs.
Identifiers: ClinVar variation 4732828 (VCV004732828.1).

ClinVar aggregate classification (germline): Pathogenic (1 of 4 stars; one submission).

Conditions:
Multiple gastrointestinal atresias. Also called: FAMILIAL INTESTINAL POLYATRESIA SYNDROME; Multiple intestinal atresia. Identifiers: Orphanet 2300, MedGen C0220744, MONDO:0009465.

Submission:

Labcorp Genetics (formerly Invitae), Labcorp
Classification: Pathogenic for Multiple gastrointestinal atresias. Last evaluated: 2025-12-14. Review status: criteria provided, single submitter. Criteria: Invitae Variant Classification Sherloc (09022015). Collection method: clinical testing. Allele origin: germline.
Comment: This sequence change creates a premature translational stop signal (p.Lys339Glnfs*46) in the TTC7A gene. It is expected to result in an absent or disrupted protein product. Loss-of-function variants in TTC7A are known to be pathogenic (PMID: 23830146, 24292712). This variant is present in population databases (no rsID available, gnomAD 0.0009%). This variant has not been reported in the literature in individuals affected with TTC7A-related conditions. For these reasons, this variant has been classified as Pathogenic.

Literature cited by the submitters: PubMed 23830146; PubMed 24292712.